The following is an entry in ClinVar:

ClinVar aggregate classification (germline): Likely pathogenic (1 of 4 stars; one submission).

Conditions:
Primary hyperoxaluria, type I (HP1). Also called: OXALOSIS I; Primary hyperoxaluria type 1; GLYCOLIC ACIDURIA; HEPATIC AGT DEFICIENCY. Identifiers: Orphanet 416, Orphanet 93598, MedGen C0268164, MONDO:0009823, OMIM 259900. Disease mechanism: loss of function.

Submission:

Clinical Biochemistry Laboratory, Health Services Laboratory
Classification: Likely pathogenic for Primary hyperoxaluria, type I. Last evaluated: 2023-10-27. Review status: criteria provided, single submitter. Criteria: ACMG Guidelines, 2015. Collection method: curation. Allele origin: germline.
Comment: ACMG:PVS1 PM2

NM_000030.3(AGXT):c.569_570insA (p.Thr191fs)

Gene: AGXT (alanine--glyoxylate aminotransferase; plus strand). Cytogenetic location: 2q37.3.
Variant type: Insertion.
Coding change: c.569_570insA on transcript NM_000030.3 (MANE Select); coding-DNA positions 569 to 570, A inserted.
Protein change: p.Thr191fs; shifts the reading frame from threonine 191.
Molecular consequence: frameshift variant.
Genome position: GRCh38 VCF-style: chr2-240873023-G-GA. GRCh37 (hg19) VCF-style: chr2-241812440-G-GA.
Other names: short protein forms T191fs.
Identifiers: ClinVar variation 2681172 (VCV002681172.1), dbSNP rs1179823296, ClinGen allele CA540535799.
Genomic context (GRCh38, chr2:240,873,023, plus strand): 5'-TCCCCCACCTCTCCAGGTACAAGTGCCTGCTCCTGGTGGATTCGGTGGCATCCCTGGGCG[G>GA]GACCCCCCTTTACATGGACCGGCAAGGTAAGGGTGGGCTCTGAGAGCCCTACCCAGCCCA-3'